The following is an entry in ClinVar:

ClinVar aggregate classification (germline): Likely benign. Review status: criteria provided, multiple submitters, no conflicts (2 of 4 stars). 3 submissions from 3 submitters: Likely benign (3). Last evaluated 2025-12-29.

Conditions:
Ehlers-Danlos syndrome, classic type, 1 (EDSCL1). Also called: EHLERS-DANLOS SYNDROME, GRAVIS TYPE; EHLERS-DANLOS SYNDROME, SEVERE CLASSIC TYPE; Ehlers-Danlos syndrome, type 1; Ehlers-Danlos Syndrome, Classic Type, COL5A1-Related; EDS I. Identifiers: MedGen C0268335, MONDO:0019567, OMIM 130000.

gnomAD v4.1: 1 of 1,613,922 alleles (0.000062%); highest among the groups gnomAD compares: Non-Finnish European, 0.000085%; no homozygotes.

Submissions (3):

Women's Health and Genetics/Laboratory Corporation of America, LabCorp
Classification: Likely benign. Last evaluated: 2025-12-29. Review status: criteria provided, single submitter. Criteria: LabCorp Variant Classification Summary - May 2015. Collection method: clinical testing. Allele origin: germline.

Mayo Clinic Laboratories, Mayo Clinic
Classification: Likely benign. Last evaluated: 2025-06-27. Review status: criteria provided, single submitter. Criteria: ACMG Guidelines, 2015. Collection method: clinical testing. Allele origin: germline. Observed: 1 variant allele.
Comment: BP4, BP7, PM2_supporting

Labcorp Genetics (formerly Invitae), Labcorp
Classification: Likely benign for Ehlers-Danlos syndrome, classic type, 1. Last evaluated: 2024-05-16. Review status: criteria provided, single submitter. Criteria: Invitae Variant Classification Sherloc (09022015). Collection method: clinical testing. Allele origin: germline.

NM_000093.5(COL5A1):c.3177T>C (p.Pro1059=)

Gene: COL5A1 (collagen type V alpha 1 chain; plus strand). Cytogenetic location: 9q34.3.
Variant type: single nucleotide variant.
Coding change: c.3177T>C on transcript NM_000093.5 (MANE Select); coding-DNA position 3177, T replaced by C.
Protein change: p.Pro1059=; no amino-acid change (proline 1059 retained).
Molecular consequence: synonymous variant.
Genome position (GRCh38, 1-based): chr9:134,805,037, T>C. VCF-style: chr9-134805037-T-C. GRCh37 (hg19) VCF-style: chr9-137696883-T-C.
Other names: p.Pro1059=; c.3177T>C, p.Pro1059= (NM_001278074.1).
Identifiers: ClinVar variation 3730561 (VCV003730561.4).